The following is an entry in ClinVar:

NM_000038.6(APC):c.2943_2945delinsTT (p.Pro981_Ser982insTer)

Gene: APC (APC regulator of Wnt signaling pathway; plus strand). Cytogenetic location: 5q22.2.
Variant type: Indel.
Coding change: c.2943_2945delinsTT on transcript NM_000038.6 (MANE Select); coding-DNA positions 2943 to 2945, CTC replaced by TT.
Protein change: p.Pro981_Ser982insTer.
Molecular consequence: frameshift variant. On other transcripts: non-coding transcript variant (2).
Genome position (GRCh38, 1-based): chr5:112,838,537-112,838,539, CTC replaced by TT. VCF-style: chr5-112838537-CTC-TT. GRCh37 (hg19) VCF-style: chr5-112174234-CTC-TT.
Other names: c.2943_2945delinsTT, p.Pro981_Ser982insTer (NM_001127510.3, NM_001354895.2, NM_001407450.1); c.2889_2891delinsTT, p.Pro963_Ser964insTer (NM_001127511.3); c.2997_2999delinsTT, p.Pro999_Ser1000insTer (NM_001354896.2, NM_001407447.1, NM_001407448.1 and 1 more transcripts); c.2973_2975delinsTT, p.Pro991_Ser992insTer (NM_001354897.2); c.2868_2870delinsTT, p.Pro956_Ser957insTer (NM_001354898.2); c.2859_2861delinsTT, p.Pro953_Ser954insTer (NM_001354899.2); c.2820_2822delinsTT, p.Pro940_Ser941insTer (NM_001354900.2); c.2766_2768delinsTT, p.Pro922_Ser923insTer (NM_001354901.2, NM_001407453.1); and 11 more.
Identifiers: ClinVar variation 2573317 (VCV002573317.1), dbSNP rs2533460894, ClinGen allele CA2580612771.

ClinVar aggregate classification (germline): Pathogenic (1 of 4 stars; one submission).

Conditions:
Familial adenomatous polyposis 1 (FAP1). Also called: POLYPOSIS, ADENOMATOUS INTESTINAL; FAMILIAL ADENOMATOUS POLYPOSIS 1, ATTENUATED. Identifiers: MedGen C2713442, MONDO:0021056, OMIM 175100. Disease mechanism: loss of function.

Submission:

Myriad Genetics, Inc.
Classification: Pathogenic for Familial adenomatous polyposis 1. Last evaluated: 2023-03-07. Review status: criteria provided, single submitter. Criteria: Myriad Autosomal Dominant, Autosomal Recessive and X-Linked Classification Criteria (2023). Collection method: clinical testing. Allele origin: unknown.
Comment: This variant is considered pathogenic. This variant creates a termination codon and is predicted to result in premature protein truncation.